The following is an entry in ClinVar:

NM_000540.3(RYR1):c.265G>A (p.Val89Met)

Gene: RYR1 (ryanodine receptor 1; plus strand). Cytogenetic location: 19q13.2.
Variant type: single nucleotide variant.
Coding change: c.265G>A on transcript NM_000540.3 (MANE Select); coding-DNA position 265, G replaced by A.
Protein change: p.Val89Met; replaces valine 89 with methionine.
Molecular consequence: missense variant.
Genome position (GRCh38, 1-based): chr19:38,442,448, G>A. VCF-style: chr19-38442448-G-A. GRCh37 (hg19) VCF-style: chr19-38933088-G-A.
Other names: c.265G>A, p.Val89Met (NM_001042723.2); short protein forms V89M.
Identifiers: ClinVar variation 544501 (VCV000544501.8), dbSNP rs757600766, ClinGen allele CA063686.

ClinVar aggregate classification (germline): Uncertain significance. Review status: criteria provided, multiple submitters, no conflicts (2 of 4 stars). 3 submissions from 3 submitters: Uncertain significance (3). Last evaluated 2024-05-09.

Conditions:
RYR1-related disorder. Also called: RYR1-related condition; RYR1-related disorders. Identifiers: MedGen CN239331.
Malignant hyperthermia, susceptibility to, 1 (MHS1). Also called: RYR1-Related Malignant Hyperthermia Susceptibility; Anesthesia related hyperthermia; Malignant hyperpyrexia; Fulminating hyperpyrexia; Pharmacogenic myopathy; Malignant hyperthermia suceptibility 1. Identifiers: Orphanet 423, MedGen C2930980, MONDO:0007783, OMIM 145600.

Allele frequency attached by ClinVar (database versions not stated): gnomAD exomes below 0.00001; ExAC 0.00001; gnomAD 0.00001.
gnomAD v4.1: 16 of 1,612,730 alleles (0.00099%); highest among the groups gnomAD compares: African/African-American, 0.0013%; no homozygotes.

Submissions (3):

All of Us Research Program, National Institutes of Health
Classification: Uncertain significance for Malignant hyperthermia, susceptibility to, 1. Last evaluated: 2024-05-09. Review status: criteria provided, single submitter. Criteria: ACMG Guidelines, 2015. Collection method: clinical testing. Allele origin: germline. Inheritance: Autosomal dominant inheritance. Observed: 3 variant alleles, 3 heterozygotes.
Comment: This missense variant replaces valine with methionine at codon 89 of the RYR1 protein. Computational prediction suggests that this variant may not impact protein structure and function (internally defined REVEL score threshold <= 0.5, PMID: 27666373). To our knowledge, functional studies have not been reported for this variant. This variant has not been reported in individuals affected with RYR1-related disorders in the literature. This variant has been identified in 1/250832 chromosomes in the general population by the Genome Aggregation Database (gnomAD). The available evidence is insufficient to determine the role of this variant in disease conclusively. Therefore, this variant is classified as a Variant of Uncertain Significance.

This study involves interpretation of variants in research participants for the purpose of population health screening. Participant phenotype was not available at the time of variant classification. Additional details can be found in publication PMID: 35346344, PMCID: PMC8962531

Color Diagnostics, LLC DBA Color Health
Classification: Uncertain significance for Malignant hyperthermia, susceptibility to, 1. Last evaluated: 2024-03-06. Review status: criteria provided, single submitter. Criteria: ACMG Guidelines, 2015. Collection method: clinical testing. Allele origin: germline.
Comment: This missense variant replaces valine with methionine at codon 89 of the RYR1 protein. Computational prediction suggests that this variant may not impact protein structure and function. To our knowledge, functional studies have not been reported for this variant. This variant has not been reported in individuals affected with RYR1-related disorders in the literature. This variant has been identified in 1/250832 chromosomes in the general population by the Genome Aggregation Database (gnomAD). The available evidence is insufficient to determine the role of this variant in disease conclusively. Therefore, this variant is classified as a Variant of Uncertain Significance.

Labcorp Genetics (formerly Invitae), Labcorp
Classification: Uncertain significance for RYR1-related disorder. Last evaluated: 2021-10-14. Review status: criteria provided, single submitter. Criteria: Invitae Variant Classification Sherloc (09022015). Collection method: clinical testing. Allele origin: germline.
Comment: This sequence change replaces valine with methionine at codon 89 of the RYR1 protein (p.Val89Met). The valine residue is moderately conserved and there is a small physicochemical difference between valine and methionine. This variant is present in population databases (rs757600766, ExAC 0.006%). This variant has not been reported in the literature in individuals affected with RYR1-related conditions. ClinVar contains an entry for this variant (Variation ID: 544501). Algorithms developed to predict the effect of missense changes on protein structure and function are either unavailable or do not agree on the potential impact of this missense change (SIFT: "Tolerated"; PolyPhen-2: "Probably Damaging"; Align-GVGD: "Class C0"). In summary, the available evidence is currently insufficient to determine the role of this variant in disease. Therefore, it has been classified as a Variant of Uncertain Significance.